The following is an entry in ClinVar:

ClinVar aggregate classification (germline): Uncertain significance (1 of 4 stars; one submission).

Submission:

Labcorp Genetics (formerly Invitae), Labcorp
Classification: Uncertain significance. Last evaluated: 2022-09-10. Review status: criteria provided, single submitter. Criteria: Invitae Variant Classification Sherloc (09022015). Collection method: clinical testing. Allele origin: germline.
Comment: In summary, the available evidence is currently insufficient to determine the role of this variant in disease. Therefore, it has been classified as a Variant of Uncertain Significance. Advanced modeling of protein sequence and biophysical properties (such as structural, functional, and spatial information, amino acid conservation, physicochemical variation, residue mobility, and thermodynamic stability) performed at Invitae indicates that this missense variant is not expected to disrupt PACS2 protein function. This variant has not been reported in the literature in individuals affected with PACS2-related conditions. This variant is not present in population databases (gnomAD no frequency). This sequence change replaces glutamine, which is neutral and polar, with lysine, which is basic and polar, at codon 771 of the PACS2 protein (p.Gln771Lys).

NM_001100913.3(PACS2):c.2311C>A (p.Gln771Lys)

Gene: PACS2 (phosphofurin acidic cluster sorting protein 2; plus strand). Cytogenetic location: 14q32.33.
Variant type: single nucleotide variant.
Coding change: c.2311C>A on transcript NM_001100913.3 (MANE Select); coding-DNA position 2311, C replaced by A.
Protein change: p.Gln771Lys; replaces glutamine 771 with lysine.
Molecular consequence: missense variant.
Genome position (GRCh38, 1-based): chr14:105,392,674, C>A. VCF-style: chr14-105392674-C-A. GRCh37 (hg19) VCF-style: chr14-105859011-C-A.
Other names: c.2041C>A, p.Gln681Lys (NM_001243127.3); c.2266C>A, p.Gln756Lys (NM_015197.4); short protein forms Q681K, Q756K, Q771K.
Identifiers: ClinVar variation 1714022 (VCV001714022.5), dbSNP rs2544898957, ClinGen allele CA391186720.
Genomic context (GRCh38, chr14:105,392,674, plus strand): 5'-CCCAGCCAGGGTGTCGGCGCCGAGCTGATGGGGCTGCAGGTGGACTACTGGACGGCAGCA[C>A]AGCCTGCGGACAGGAAGAGGGACGCCGAGAAGAAGGACCTGCCTGTCACCAAAAACACGC-3'
Protein context (NP_001094383.2, residues 761-781): GLQVDYWTAA[Gln771Lys]PADRKRDAEK